The following is an entry in ClinVar:

NM_004181.5(UCHL1):c.69C>T (p.Ala23=)

Gene: UCHL1 (ubiquitin C-terminal hydrolase L1; plus strand). Cytogenetic location: 4p13.
Variant type: single nucleotide variant.
Coding change: c.69C>T on transcript NM_004181.5 (MANE Select); coding-DNA position 69, C replaced by T.
Protein change: p.Ala23=; no amino-acid change (alanine 23 retained).
Molecular consequence: synonymous variant.
Genome position (GRCh38, 1-based): chr4:41,257,632, C>T. VCF-style: chr4-41257632-C-T. GRCh37 (hg19) VCF-style: chr4-41259649-C-T.
Identifiers: ClinVar variation 771361 (VCV000771361.12), dbSNP rs753720793, ClinGen allele CA2899920.

ClinVar aggregate classification (germline): Likely benign. Review status: criteria provided, multiple submitters, no conflicts (2 of 4 stars). 3 submissions from 3 submitters: Likely benign (3). Last evaluated 2025-08-18.

Conditions:
Parkinson disease 5, autosomal dominant, susceptibility to (PARK5). Also called: Parkinson disease 5, susceptibility to. Identifiers: Orphanet 2828, MedGen C3150899, MONDO:0013340, OMIM 613643.

Allele frequency attached by ClinVar (database versions not stated): gnomAD 0.00011 and 0.00012; gnomAD exomes 0.00015; TOPMed 0.00016; ExAC 0.00036.
gnomAD v4.1: 233 of 1,556,752 alleles (0.015%); highest among the groups gnomAD compares: Admixed American, 0.023%; no homozygotes.

Submissions (3):

Labcorp Genetics (formerly Invitae), Labcorp
Classification: Likely benign. Last evaluated: 2025-08-18. Review status: criteria provided, single submitter. Criteria: Invitae Variant Classification Sherloc (09022015). Collection method: clinical testing. Allele origin: germline.

Blueprint Genetics
Classification: Likely benign. Last evaluated: 2024-07-10. Review status: criteria provided, single submitter. Criteria: ACMG Guidelines, 2015. Collection method: clinical testing. Allele origin: germline.

Illumina Laboratory Services, Illumina
Classification: Likely benign for Parkinson disease 5, autosomal dominant, susceptibility to. Last evaluated: 2018-01-13. Review status: criteria provided, single submitter. Criteria: ICSL Variant Classification Criteria 13 December 2019. Collection method: clinical testing. Allele origin: germline.
Comment: This variant was observed in the ICSL laboratory as part of a predisposition screen in an ostensibly healthy population. It had not been previously curated by ICSL or reported in the Human Gene Mutation Database (HGMD: prior to June 1st, 2018), and was therefore a candidate for classification through an automated scoring system. Utilizing variant allele frequency, disease prevalence and penetrance estimates, and inheritance mode, an automated score was calculated to assess if this variant is too frequent to cause the disease. Based on the score and internal cut-off values, a variant classified as likely benign is not then subjected to further curation. The score for this variant resulted in a classification of likely benign for this disease.